The following is an entry in ClinVar:

ClinVar aggregate classification (germline): Pathogenic (1 of 4 stars; one submission).

Submission:

Labcorp Genetics (formerly Invitae), Labcorp
Classification: Pathogenic. Last evaluated: 2022-02-19. Review status: criteria provided, single submitter. Criteria: Invitae Variant Classification Sherloc (09022015). Collection method: clinical testing. Allele origin: germline.
Comment: For these reasons, this variant has been classified as Pathogenic. This variant has not been reported in the literature in individuals affected with CYP19A1-related conditions. A gross deletion of the genomic region encompassing the full coding sequence of the CYP19A1 gene has been identified. Loss-of-function variants in CYP19A1 are known to be pathogenic (PMID: 14602738, 27086564, 27256151). The boundaries of this event are unknown as they extend beyond the assayed region for this gene and therefore may encompass additional genes.

Literature cited by the submitters: PubMed 14602738; PubMed 27086564; PubMed 27256151.

NC_000015.10:g.(?_51210798)_(51255741_?)del

Gene: CYP19A1 (cytochrome P450 family 19 subfamily A member 1; minus strand). Cytogenetic location: 15q21.2.
Variant type: Deletion.
Identifiers: ClinVar variation 833490 (VCV000833490.6).